The following is an entry in ClinVar:

NM_001135649.3(FOXI3):c.734G>A (p.Ser245Asn)

Gene: FOXI3 (forkhead box I3; minus strand). Cytogenetic location: 2p11.2.
Variant type: single nucleotide variant.
Coding change: c.734G>A on transcript NM_001135649.3 (MANE Select); coding-DNA position 734, G replaced by A.
Protein change: p.Ser245Asn; replaces serine 245 with asparagine.
Molecular consequence: missense variant.
Genome position (GRCh38, 1-based): chr2:88,448,736, C>T on the plus strand (G>A on the coding strand, the complement: FOXI3 is on the minus strand). VCF-style: chr2-88448736-C-T. GRCh37 (hg19) VCF-style: chr2-88748255-C-T.
Other names: short protein forms S245N.
Identifiers: ClinVar variation 1505496 (VCV001505496.6), dbSNP rs2104258823, ClinGen allele CA347765386.

ClinVar aggregate classification (germline): Uncertain significance (1 of 4 stars; one submission).

Allele frequency attached by ClinVar (database versions not stated): gnomAD exomes 0.00001.

Submission:

Labcorp Genetics (formerly Invitae), Labcorp
Classification: Uncertain significance. Last evaluated: 2025-05-27. Review status: criteria provided, single submitter. Criteria: Invitae Variant Classification Sherloc (09022015). Collection method: clinical testing. Allele origin: germline.
Comment: This sequence change replaces serine, which is neutral and polar, with asparagine, which is neutral and polar, at codon 245 of the FOXI3 protein (p.Ser245Asn). This variant is not present in population databases (gnomAD no frequency). This variant has not been reported in the literature in individuals affected with FOXI3-related conditions. ClinVar contains an entry for this variant (Variation ID: 1505496). Experimental studies and prediction algorithms are not available or were not evaluated, and the functional significance of this variant is currently unknown. In summary, the available evidence is currently insufficient to determine the role of this variant in disease. Therefore, it has been classified as a Variant of Uncertain Significance.